The following is an entry in ClinVar:

ClinVar aggregate classification (germline): Uncertain significance (1 of 4 stars; one submission).

Allele frequency attached by ClinVar (database versions not stated): TOPMed below 0.00001; gnomAD 0.00001.

Submission:

Labcorp Genetics (formerly Invitae), Labcorp
Classification: Uncertain significance. Last evaluated: 2022-06-05. Review status: criteria provided, single submitter. Criteria: Invitae Variant Classification Sherloc (09022015). Collection method: clinical testing. Allele origin: germline.
Comment: This sequence change replaces tryptophan, which is neutral and slightly polar, with leucine, which is neutral and non-polar, at codon 20 of the DLL4 protein (p.Trp20Leu). This variant is not present in population databases (gnomAD no frequency). This variant has not been reported in the literature in individuals affected with DLL4-related conditions. ClinVar contains an entry for this variant (Variation ID: 1462937). Algorithms developed to predict the effect of missense changes on protein structure and function (SIFT, PolyPhen-2, Align-GVGD) all suggest that this variant is likely to be tolerated. In summary, the available evidence is currently insufficient to determine the role of this variant in disease. Therefore, it has been classified as a Variant of Uncertain Significance.

NM_019074.4(DLL4):c.59G>T (p.Trp20Leu)

Gene: DLL4 (delta like canonical Notch ligand 4; plus strand). Cytogenetic location: 15q15.1.
Variant type: single nucleotide variant.
Coding change: c.59G>T on transcript NM_019074.4 (MANE Select); coding-DNA position 59, G replaced by T.
Protein change: p.Trp20Leu; replaces tryptophan 20 with leucine.
Molecular consequence: missense variant.
Genome position (GRCh38, 1-based): chr15:40,929,727, G>T. VCF-style: chr15-40929727-G-T. GRCh37 (hg19) VCF-style: chr15-41221925-G-T.
Other names: short protein forms W20L.
Identifiers: ClinVar variation 1462937 (VCV001462937.8), dbSNP rs1415482653, ClinGen allele CA391804018.
Genomic context (GRCh38, chr15:40,929,727, plus strand): 5'-GGATGGCGGCAGCGTCCCGGAGCGCCTCTGGCTGGGCGCTACTGCTGCTGGTGGCACTTT[G>T]GCAGCAGGTAACACGTCCCGCGCCCTCTCCGTCCCCTCTGCCGCGCTCTGGGCCTCAGCC-3'
Protein context (NP_061947.1, residues 10-30): GWALLLLVAL[Trp20Leu]QQRAAGSGVF